The following is an entry in ClinVar:

NM_000435.3(NOTCH3):c.6709C>G (p.Arg2237Gly)

Gene: NOTCH3 (notch receptor 3; minus strand). Cytogenetic location: 19p13.12.
Variant type: single nucleotide variant.
Coding change: c.6709C>G on transcript NM_000435.3 (MANE Select); coding-DNA position 6709, C replaced by G.
Protein change: p.Arg2237Gly; replaces arginine 2237 with glycine.
Molecular consequence: missense variant.
Genome position (GRCh38, 1-based): chr19:15,160,919, G>C on the plus strand (C>G on the coding strand, the complement: NOTCH3 is on the minus strand). VCF-style: chr19-15160919-G-C. GRCh37 (hg19) VCF-style: chr19-15271730-G-C.
Other names: c.6709C>G (NM_000435.2); short protein forms R2237G.
Identifiers: ClinVar variation 993938 (VCV000993938.12), dbSNP rs749189648, ClinGen allele CA305757897.

ClinVar aggregate classification (germline): Uncertain significance. Review status: criteria provided, multiple submitters, no conflicts (2 of 4 stars). 2 submissions from 2 submitters: Uncertain significance (2). Last evaluated 2025-12-08.

Conditions:
Inborn genetic diseases. Identifiers: MedGen C0950123, MeSH D030342.

Allele frequency attached by ClinVar (database versions not stated): TOPMed 0.00002.

Submissions (2):

Ambry Genetics
Classification: Uncertain significance for Inborn genetic diseases. Last evaluated: 2025-12-08. Review status: criteria provided, single submitter. Criteria: Ambry Variant Classification Scheme 2023. Collection method: clinical testing. Allele origin: germline.

ARUP Laboratories, Molecular Genetics and Genomics, ARUP Laboratories
Classification: Uncertain significance. Last evaluated: 2020-07-21. Review status: criteria provided, single submitter. Criteria: ARUP Molecular Germline Variant Investigation Process. Collection method: clinical testing. Allele origin: germline.
Comment: The NOTCH3 c.6709C>G; p.Arg2237Gly variant (rs749189648), to our knowledge, is not reported in the medical literature or gene-specific databases. This variant is also absent from general population databases (Exome Variant Server, Genome Aggregation Database), indicating it is not a common polymorphism. The arginine at codon 2237 is highly conserved, but computational analyses (SIFT: tolerated, PolyPhen-2: damaging) predict conflicting effects of this variant on protein structure/function. Most pathogenic NOTCH3 variants occur in exons 2-24 and either create or destroy a cysteine residue within an EGF-like domain (Rutten 2014). However, there are several amino acid substitutions not involving cysteine that may be disease-associated (Muino 2017). Although the p.Arg2237Gly variant does not occur within this critical region or involve a cysteine residue, due to its low population frequency, its clinical significance is uncertain. References: Muino E et al. Systematic Review of Cysteine-Sparing NOTCH3 Missense Mutations in Patients with Clinical Suspicion of CADASIL. Int J Mol Sci. 2017 Sep 13;18(9). pii: E1964. Rutten JW et al. Interpretation of NOTCH3 mutations in the diagnosis of CADASIL. Expert Rev Mol Diagn. 2014 Jun;14(5):593-603.